The following is an entry in ClinVar:

NM_006642.5(SDCCAG8):c.1411G>A (p.Ala471Thr)

Gene: SDCCAG8 (SHH signaling and ciliogenesis regulator SDCCAG8; plus strand). Cytogenetic location: 1q43.
Variant type: single nucleotide variant.
Coding change: c.1411G>A on transcript NM_006642.5 (MANE Select); coding-DNA position 1411, G replaced by A.
Protein change: p.Ala471Thr; replaces alanine 471 with threonine.
Molecular consequence: missense variant.
Genome position (GRCh38, 1-based): chr1:243,344,269, G>A. VCF-style: chr1-243344269-G-A. GRCh37 (hg19) VCF-style: chr1-243507571-G-A.
Other names: c.508G>A, p.Ala170Thr (NM_001350246.2, NM_001350247.2, NM_001350251.2); c.1507G>A, p.Ala503Thr (NM_001350248.2); c.1117G>A, p.Ala373Thr (NM_001350249.2); short protein forms A373T, A503T, A170T, A471T.
Identifiers: ClinVar variation 1462793 (VCV001462793.8), dbSNP rs775752533, ClinGen allele CA345475921.

ClinVar aggregate classification (germline): Uncertain significance (1 of 4 stars; one submission).

Conditions:
Bardet-Biedl syndrome 16 (BBS16). Identifiers: Orphanet 110, MedGen C3889474, MONDO:0014444, OMIM 615993.
Senior-Loken syndrome 7 (SLSN7). Identifiers: Orphanet 3156, MedGen C3150877, MONDO:0013326, OMIM 613615.

gnomAD v4.1: 1 of 1,614,000 alleles (0.000062%); highest among the groups gnomAD compares: Non-Finnish European, 0.000085%; no homozygotes.

Submission:

Labcorp Genetics (formerly Invitae), Labcorp
Classification: Uncertain significance for Bardet-Biedl syndrome 16; Senior-Loken syndrome 7. Last evaluated: 2021-01-30. Review status: criteria provided, single submitter. Criteria: Invitae Variant Classification Sherloc (09022015). Collection method: clinical testing. Allele origin: germline.
Comment: In summary, the available evidence is currently insufficient to determine the role of this variant in disease. Therefore, it has been classified as a Variant of Uncertain Significance. Algorithms developed to predict the effect of missense changes on protein structure and function are either unavailable or do not agree on the potential impact of this missense change (SIFT: "Tolerated"; PolyPhen-2: "Probably Damaging"; Align-GVGD: "Class C0"). This variant has not been reported in the literature in individuals with SDCCAG8-related conditions. This variant is not present in population databases (ExAC no frequency). This sequence change replaces alanine with threonine at codon 471 of the SDCCAG8 protein (p.Ala471Thr). The alanine residue is moderately conserved and there is a small physicochemical difference between alanine and threonine.